The following is an entry in ClinVar:

ClinVar aggregate classification (germline): Benign. Review status: criteria provided, multiple submitters, no conflicts (2 of 4 stars). 3 submissions from 3 submitters: Benign (2). 1 of the submissions does not count toward it. Last evaluated 2018-05-18.

Conditions:
ATP13A4-related disorder. Also called: ATP13A4-related condition.

Allele frequency attached by ClinVar (database versions not stated): gnomAD exomes 0.00033 and 0.00080; ExAC 0.00103; 1000 Genomes Project 0.00220; 1000 Genomes Project 30x 0.00281; gnomAD 0.00332 and 0.00358; TOPMed 0.00377; ESP Exome Variant Server 0.00408.
gnomAD v4.1: 1,002 of 1,608,634 alleles (0.062%); highest among the groups gnomAD compares: African/African-American, 1.2%; 8 homozygotes.

Submissions (3):

Labcorp Genetics (formerly Invitae), Labcorp
Classification: Benign. Last evaluated: 2018-05-18. Review status: criteria provided, single submitter. Criteria: Invitae Variant Classification Sherloc (09022015). Collection method: clinical testing. Allele origin: germline.

Breakthrough Genomics
Classification: Benign. Review status: criteria provided, single submitter. Criteria: ACMG Guidelines, 2015. Collection method: not provided. Allele origin: germline. Inheritance: Unknown mechanism. Affected: yes.

PreventionGenetics, part of Exact Sciences
Classification: Benign for ATP13A4-related condition. Last evaluated: 2019-07-01. Review status: no assertion criteria provided. Collection method: clinical testing. Allele origin: germline. Not counted in ClinVar's aggregate classification.
Comment: This variant is classified as benign based on ACMG/AMP sequence variant interpretation guidelines (Richards et al. 2015 PMID: 25741868, with internal and published modifications).

NM_032279.4(ATP13A4):c.1921A>G (p.Thr641Ala)

Gene: ATP13A4 (ATPase 13A4; minus strand). Cytogenetic location: 3q29.
Variant type: single nucleotide variant.
Coding change: c.1921A>G on transcript NM_032279.4 (MANE Select); coding-DNA position 1921, A replaced by G.
Protein change: p.Thr641Ala; replaces threonine 641 with alanine.
Molecular consequence: missense variant.
Genome position (GRCh38, 1-based): chr3:193,454,207, T>C on the plus strand (A>G on the coding strand, the complement: ATP13A4 is on the minus strand). VCF-style: chr3-193454207-T-C. GRCh37 (hg19) VCF-style: chr3-193171996-T-C.
Other names: short protein forms T641A.
Identifiers: ClinVar variation 788401 (VCV000788401.6), dbSNP rs78695718, ClinGen allele CA2758226.